The following is an entry in ClinVar:

NM_004168.4(SDHA):c.1442T>G (p.Val481Gly)

Gene: SDHA (succinate dehydrogenase complex flavoprotein subunit A; plus strand). Cytogenetic location: 5p15.33.
Variant type: single nucleotide variant.
Coding change: c.1442T>G on transcript NM_004168.4 (MANE Select); coding-DNA position 1442, T replaced by G.
Protein change: p.Val481Gly; replaces valine 481 with glycine.
Molecular consequence: missense variant.
Genome position (GRCh38, 1-based): chr5:240,367, T>G. VCF-style: chr5-240367-T-G. GRCh37 (hg19) VCF-style: chr5-240482-T-G.
Other names: c.1298T>G, p.Val433Gly (NM_001294332.2); c.1442T>G, p.Val481Gly (NM_001330758.2); short protein forms V433G, V481G.
Identifiers: ClinVar variation 1466896 (VCV001466896.5), dbSNP rs1736061170, ClinGen allele CA359014178.

ClinVar aggregate classification (germline): Uncertain significance (1 of 4 stars; one submission).

Conditions:
Mitochondrial complex II deficiency, nuclear type 1. Also called: SUCCINATE CoQ REDUCTASE DEFICIENCY. Identifiers: Orphanet 3208, MedGen C5700310, MONDO:0100294, OMIM 252011.
Pheochromocytoma/paraganglioma syndrome 5. Also called: Paragangliomas 5; SDHA-Related Hereditary Paraganglioma-Pheochromocytoma Syndrome. Identifiers: Orphanet 29072, MedGen C3279992, MONDO:0013602, OMIM 614165.

Submission:

Labcorp Genetics (formerly Invitae), Labcorp
Classification: Uncertain significance for Pheochromocytoma/paraganglioma syndrome 5; Mitochondrial complex II deficiency, nuclear type 1. Last evaluated: 2021-08-31. Review status: criteria provided, single submitter. Criteria: Invitae Variant Classification Sherloc (09022015). Collection method: clinical testing. Allele origin: germline.
Comment: This sequence change replaces valine with glycine at codon 481 of the SDHA protein (p.Val481Gly). The valine residue is moderately conserved and there is a moderate physicochemical difference between valine and glycine. This variant is not present in population databases (ExAC no frequency). This variant has not been reported in the literature in individuals affected with SDHA-related conditions. Advanced modeling of protein sequence and biophysical properties (such as structural, functional, and spatial information, amino acid conservation, physicochemical variation, residue mobility, and thermodynamic stability) performed at Invitae indicates that this missense variant is not expected to disrupt SDHA protein function. In summary, the available evidence is currently insufficient to determine the role of this variant in disease. Therefore, it has been classified as a Variant of Uncertain Significance.